The following is an entry in ClinVar:

ClinVar aggregate classification (germline): Uncertain significance (1 of 4 stars; one submission).

Conditions:
Combined immunodeficiency due to LRBA deficiency. Also called: Common variable immunodeficiency 8, with autoimmunity. Identifiers: Orphanet 445018, MedGen C3553512, MONDO:0013863, OMIM 614700.

gnomAD v4.1: 18 of 1,613,722 alleles (0.0011%); highest among the groups gnomAD compares: Non-Finnish European, 0.0014%; no homozygotes.

Submission:

Labcorp Genetics (formerly Invitae), Labcorp
Classification: Uncertain significance for Combined immunodeficiency due to LRBA deficiency. Last evaluated: 2024-02-23. Review status: criteria provided, single submitter. Criteria: Invitae Variant Classification Sherloc (09022015). Collection method: clinical testing. Allele origin: germline.
Comment: This sequence change replaces serine, which is neutral and polar, with cysteine, which is neutral and slightly polar, at codon 266 of the LRBA protein (p.Ser266Cys). This variant is not present in population databases (gnomAD no frequency). This variant has not been reported in the literature in individuals affected with LRBA-related conditions. ClinVar contains an entry for this variant (Variation ID: 1441642). Advanced modeling of protein sequence and biophysical properties (such as structural, functional, and spatial information, amino acid conservation, physicochemical variation, residue mobility, and thermodynamic stability) performed at Invitae indicates that this missense variant is expected to disrupt LRBA protein function with a positive predictive value of 80%. In summary, the available evidence is currently insufficient to determine the role of this variant in disease. Therefore, it has been classified as a Variant of Uncertain Significance.

NM_001364905.1(LRBA):c.797C>G (p.Ser266Cys)

Gene: LRBA (LPS responsive beige-like anchor protein; minus strand). Cytogenetic location: 4q31.3.
Variant type: single nucleotide variant.
Coding change: c.797C>G on transcript NM_001364905.1 (MANE Select); coding-DNA position 797, C replaced by G.
Protein change: p.Ser266Cys; replaces serine 266 with cysteine.
Molecular consequence: missense variant.
Genome position (GRCh38, 1-based): chr4:150,916,498, G>C on the plus strand (C>G on the coding strand, the complement: LRBA is on the minus strand). VCF-style: chr4-150916498-G-C. GRCh37 (hg19) VCF-style: chr4-151837650-G-C.
Other names: c.797C>G, p.Ser266Cys (NM_001199282.3, NM_001367550.1, NM_006726.5); short protein forms S266C.
Identifiers: ClinVar variation 1441642 (VCV001441642.8), dbSNP rs2149489483, ClinGen allele CA358436317.